The following is an entry in ClinVar:

NM_005591.4(MRE11):c.391G>C (p.Asp131His)

Gene: MRE11 (MRE11 double strand break repair nuclease; minus strand). Cytogenetic location: 11q21.
Variant type: single nucleotide variant.
Coding change: c.391G>C on transcript NM_005591.4 (MANE Select); coding-DNA position 391, G replaced by C.
Protein change: p.Asp131His; replaces aspartic acid 131 with histidine.
Molecular consequence: missense variant.
Genome position (GRCh38, 1-based): chr11:94,479,685, C>G on the plus strand (G>C on the coding strand, the complement: MRE11 is on the minus strand). VCF-style: chr11-94479685-C-G. GRCh37 (hg19) VCF-style: chr11-94212851-C-G.
Other names: c.391G>C, p.Asp131His (NM_001330347.2, NM_005590.4); short protein forms D131H.
Identifiers: ClinVar variation 2635560 (VCV002635560.4), dbSNP rs368403414, ClinGen allele CA382378277.

ClinVar aggregate classification (germline): Uncertain significance. Review status: criteria provided, multiple submitters, no conflicts (2 of 4 stars). 2 submissions from 2 submitters: Uncertain significance (2). Last evaluated 2023-12-19.

Conditions:
MRE11-related disorder. Also called: MRE11-related condition.
Ataxia-telangiectasia-like disorder (ATLD). Identifiers: MedGen C1858391, MONDO:0011457.

gnomAD v4.1: 6 of 1,611,944 alleles (0.00037%); highest among the groups gnomAD compares: Non-Finnish European, 0.00051%; no homozygotes.

Submissions (2):

Labcorp Genetics (formerly Invitae), Labcorp
Classification: Uncertain significance for Ataxia-telangiectasia-like disorder. Last evaluated: 2023-12-19. Review status: criteria provided, single submitter. Criteria: Invitae Variant Classification Sherloc (09022015). Collection method: clinical testing. Allele origin: germline.
Comment: This sequence change replaces aspartic acid, which is acidic and polar, with histidine, which is basic and polar, at codon 131 of the MRE11 protein (p.Asp131His). This variant is not present in population databases (gnomAD no frequency). This variant has not been reported in the literature in individuals affected with MRE11-related conditions. ClinVar contains an entry for this variant (Variation ID: 2635560). An algorithm developed to predict the effect of missense changes on protein structure and function (PolyPhen-2) suggests that this variant is likely to be disruptive. Algorithms developed to predict the effect of sequence changes on RNA splicing suggest that this variant may disrupt the consensus splice site. In summary, the available evidence is currently insufficient to determine the role of this variant in disease. Therefore, it has been classified as a Variant of Uncertain Significance.

PreventionGenetics, part of Exact Sciences
Classification: Uncertain significance for MRE11-related condition. Last evaluated: 2022-11-11. Review status: criteria provided, single submitter. Criteria: ACMG Guidelines, 2015. Collection method: clinical testing. Allele origin: germline.
Comment: The MRE11 c.391G>C variant is predicted to result in the amino acid substitution p.Asp131His. To our knowledge, this variant has not been reported in the literature or in a large population database, indicating this variant is rare. Of note, a different variant impacting the same amino acid (p.Asp131Asn) has been documented in a patient with breast cancer (Patient 47 in Li et al. 2016. PubMed ID: 26534844). At this time, the clinical significance of the c.391G>C (p.Asp131His) variant is uncertain due to the absence of conclusive functional and genetic evidence.